The following is an entry in ClinVar:

NM_001369.3(DNAH5):c.2071G>A (p.Gly691Ser)

Genes: DNAH5 (dynein axonemal heavy chain 5; minus strand), DNAH5-AS1 (DNAH5 antisense RNA 1; plus strand). Cytogenetic location: 5p15.2.
Variant type: single nucleotide variant.
Coding change: c.2071G>A on transcript NM_001369.3 (MANE Select); coding-DNA position 2071, G replaced by A.
Protein change: p.Gly691Ser; replaces glycine 691 with serine.
Molecular consequence: missense variant.
Genome position (GRCh38, 1-based): chr5:13,900,394, C>T on the plus strand (G>A on the coding strand, the complement: DNAH5 is on the minus strand). VCF-style: chr5-13900394-C-T. GRCh37 (hg19) VCF-style: chr5-13900503-C-T.
Other names: short protein forms G691S.
Identifiers: ClinVar variation 1405071 (VCV001405071.3), dbSNP rs866977828, ClinGen allele CA113943275.

ClinVar aggregate classification (germline): Uncertain significance (1 of 4 stars; one submission).

Conditions:
Primary ciliary dyskinesia. Also called: Ciliary dyskinesia. Identifiers: Orphanet 244, MedGen C0008780, MONDO:0016575, HP:0012265.

Allele frequency attached by ClinVar (database versions not stated): TOPMed 0.00002.

Submission:

Labcorp Genetics (formerly Invitae), Labcorp
Classification: Uncertain significance for Primary ciliary dyskinesia. Last evaluated: 2021-12-03. Review status: criteria provided, single submitter. Criteria: Invitae Variant Classification Sherloc (09022015). Collection method: clinical testing. Allele origin: germline.
Comment: This sequence change replaces glycine, which is neutral and non-polar, with serine, which is neutral and polar, at codon 691 of the DNAH5 protein (p.Gly691Ser). This variant is not present in population databases (gnomAD no frequency). This variant has not been reported in the literature in individuals affected with DNAH5-related conditions. Advanced modeling of protein sequence and biophysical properties (such as structural, functional, and spatial information, amino acid conservation, physicochemical variation, residue mobility, and thermodynamic stability) performed at Invitae indicates that this missense variant is not expected to disrupt DNAH5 protein function. Algorithms developed to predict the effect of sequence changes on RNA splicing suggest that this variant may create or strengthen a splice site. In summary, the available evidence is currently insufficient to determine the role of this variant in disease. Therefore, it has been classified as a Variant of Uncertain Significance.